The following is an entry in ClinVar:

NM_017950.4(CCDC40):c.1721C>A (p.Thr574Asn)

Gene: CCDC40 (coiled-coil domain 40 molecular ruler complex subunit; plus strand). Cytogenetic location: 17q25.3.
Variant type: single nucleotide variant.
Coding change: c.1721C>A on transcript NM_017950.4 (MANE Select); coding-DNA position 1721, C replaced by A.
Protein change: p.Thr574Asn; replaces threonine 574 with asparagine.
Molecular consequence: missense variant.
Genome position (GRCh38, 1-based): chr17:80,081,704, C>A. VCF-style: chr17-80081704-C-A. GRCh37 (hg19) VCF-style: chr17-78055503-C-A.
Other names: c.1721C>A, p.Thr574Asn (NM_001243342.2); short protein forms T574N.
Identifiers: ClinVar variation 656923 (VCV000656923.11), dbSNP rs202093340, ClinGen allele CA8814003.

ClinVar aggregate classification (germline): Uncertain significance. Review status: criteria provided, multiple submitters, no conflicts (2 of 4 stars). 3 submissions from 3 submitters: Uncertain significance (3). Last evaluated 2025-02-06.

Conditions:
Primary ciliary dyskinesia 15. Also called: CILIARY DYSKINESIA, PRIMARY, 15, WITH OR WITHOUT SITUS INVERSUS. Identifiers: Orphanet 244, MedGen C3151137, MONDO:0013435, OMIM 613808.
Primary ciliary dyskinesia. Also called: Ciliary dyskinesia. Identifiers: Orphanet 244, MedGen C0008780, MONDO:0016575, HP:0012265.

Allele frequency attached by ClinVar (database versions not stated): 1000 Genomes Project 30x 0.00062; 1000 Genomes Project 0.00080; gnomAD 0.00001 and 0.00007; TOPMed 0.00001; gnomAD exomes 0.00002 and 0.00016; ExAC 0.00006.
gnomAD v4.1: 234 of 1,614,192 alleles (0.014%); highest among the groups gnomAD compares: East Asian, 0.5%; 2 homozygotes.

Submissions (3):

Ambry Genetics
Classification: Uncertain significance for Primary ciliary dyskinesia. Last evaluated: 2025-02-06. Review status: criteria provided, single submitter. Criteria: Ambry Variant Classification Scheme 2023. Collection method: clinical testing. Allele origin: germline.
Comment: The p.T574N variant (also known as c.1721C>A), located in coding exon 11 of the CCDC40 gene, results from a C to A substitution at nucleotide position 1721. The threonine at codon 574 is replaced by asparagine, an amino acid with similar properties. This amino acid position is poorly conserved in available vertebrate species. In addition, this alteration is predicted to be tolerated by in silico analysis. Since supporting evidence is limited at this time, the clinical significance of this alteration remains unclear.

Fulgent Genetics
Classification: Uncertain significance for Primary ciliary dyskinesia 15. Last evaluated: 2022-02-25. Review status: criteria provided, single submitter. Criteria: ACMG Guidelines, 2015. Collection method: clinical testing. Allele origin: unknown.

Labcorp Genetics (formerly Invitae), Labcorp
Classification: Uncertain significance for Primary ciliary dyskinesia. Last evaluated: 2021-08-26. Review status: criteria provided, single submitter. Criteria: Invitae Variant Classification Sherloc (09022015). Collection method: clinical testing. Allele origin: germline.
Comment: This sequence change replaces threonine with asparagine at codon 574 of the CCDC40 protein (p.Thr574Asn). The threonine residue is moderately conserved and there is a small physicochemical difference between threonine and asparagine. This variant is present in population databases (rs202093340, ExAC 0.07%). This variant has not been reported in the literature in individuals affected with CCDC40-related conditions. Algorithms developed to predict the effect of missense changes on protein structure and function (SIFT, PolyPhen-2, Align-GVGD) all suggest that this variant is likely to be tolerated. In summary, the available evidence is currently insufficient to determine the role of this variant in disease. Therefore, it has been classified as a Variant of Uncertain Significance.